The following is an entry in ClinVar:

ClinVar aggregate classification (germline): Likely benign. Review status: criteria provided, multiple submitters, no conflicts (2 of 4 stars). 2 submissions from 2 submitters: Likely benign (2). Last evaluated 2025-05-17.

Conditions:
COL18A1-related disorder. Also called: COL18A1-related condition; COL18A1-related disorders.

Allele frequency attached by ClinVar (database versions not stated): TOPMed 0.00002; ExAC 0.00006.
gnomAD v4.1: 17 of 1,598,262 alleles (0.0011%); highest among the groups gnomAD compares: Admixed American, 0.01%; no homozygotes.

Submissions (3):

PreventionGenetics, part of Exact Sciences
Classification: Likely benign for COL18A1-related condition. Last evaluated: 2025-05-17. Review status: criteria provided, single submitter. Criteria: ACMG Guidelines, 2015. Collection method: clinical testing. Allele origin: germline.
Comment: This variant is classified as likely benign based on ACMG/AMP sequence variant interpretation guidelines (Richards et al. 2015 PMID: 25741868, with internal and published modifications).

Labcorp Genetics (formerly Invitae), Labcorp
Classification: Likely benign. Last evaluated: 2024-06-21. Review status: criteria provided, single submitter. Criteria: Invitae Variant Classification Sherloc (09022015). Collection method: clinical testing. Allele origin: germline.

Dr. Peter K. Rogan Lab, Western University
No classification provided (evidence only). Condition: Sarcoma. Review status: no classification provided. Collection method: in vitro. Allele origin: not applicable. Functional consequence: retained intron. Not counted in ClinVar's aggregate classification.

NM_001379500.1(COL18A1):c.723C>T (p.Gly241=)

Gene: COL18A1 (collagen type XVIII alpha 1 chain; plus strand). Cytogenetic location: 21q22.3.
Variant type: single nucleotide variant.
Coding change: c.723C>T on transcript NM_001379500.1 (MANE Select); coding-DNA position 723, C replaced by T.
Protein change: p.Gly241=; no amino-acid change (glycine 241 retained).
Molecular consequence: synonymous variant.
Genome position (GRCh38, 1-based): chr21:45,473,966, C>T. VCF-style: chr21-45473966-C-T. GRCh37 (hg19) VCF-style: chr21-46893880-C-T.
Other names: c.1263C>T, p.Gly421= (NM_030582.4); c.1968C>T, p.Gly656= (NM_130444.3); c.1263C>T (NM_030582.3).
Identifiers: ClinVar variation 1473672 (VCV001473672.10), dbSNP rs762538491, ClinGen allele CA10065856.
Genomic context (GRCh38, chr21:45,473,966, plus strand): 5'-TGAGCTGAAGGTGCGCAGGGACCCCCAGGTGAGCCCCATGCACTGCCTGGACGAGGAAGG[C>T]GATGACTCAGATGGGGTGAGTGACATCTGGGGCACGGGTGGGGTCTCCCCTCAATCCCTG-3'
Protein context (NP_001366429.1, residues 231-251): VSPMHCLDEE[Gly241=]DDSDGASGDS